The following is an entry in ClinVar:

ClinVar aggregate classification (germline): Uncertain significance (1 of 4 stars; one submission).

Allele frequency attached by ClinVar (database versions not stated): gnomAD exomes 0.00001; ExAC 0.00002; gnomAD 0.00002; TOPMed 0.00002; ESP Exome Variant Server 0.00008; 1000 Genomes Project 30x 0.00016; 1000 Genomes Project 0.00020.
gnomAD v4.1: 25 of 1,613,804 alleles (0.0015%); highest among the groups gnomAD compares: Middle Eastern, 0.016%; no homozygotes.

Submission:

Labcorp Genetics (formerly Invitae), Labcorp
Classification: Uncertain significance. Last evaluated: 2023-05-23. Review status: criteria provided, single submitter. Criteria: Invitae Variant Classification Sherloc (09022015). Collection method: clinical testing. Allele origin: germline.
Comment: This sequence change replaces glycine, which is neutral and non-polar, with arginine, which is basic and polar, at codon 3483 of the FAT1 protein (p.Gly3483Arg). This variant is present in population databases (rs185069736, gnomAD 0.009%). This variant has not been reported in the literature in individuals affected with FAT1-related conditions. Advanced modeling of protein sequence and biophysical properties (such as structural, functional, and spatial information, amino acid conservation, physicochemical variation, residue mobility, and thermodynamic stability) has been performed at Invitae for this missense variant, however the output from this modeling did not meet the statistical confidence thresholds required to predict the impact of this variant on FAT1 protein function. Algorithms developed to predict the effect of sequence changes on RNA splicing suggest that this variant may create or strengthen a splice site. In summary, the available evidence is currently insufficient to determine the role of this variant in disease. Therefore, it has been classified as a Variant of Uncertain Significance.

NM_005245.4(FAT1):c.10447G>A (p.Gly3483Arg)

Gene: FAT1 (FAT atypical cadherin 1; minus strand). Cytogenetic location: 4q35.2.
Variant type: single nucleotide variant.
Coding change: c.10447G>A on transcript NM_005245.4 (MANE Select); coding-DNA position 10447, G replaced by A.
Protein change: p.Gly3483Arg; replaces glycine 3483 with arginine.
Molecular consequence: missense variant.
Genome position (GRCh38, 1-based): chr4:186,604,478, C>T on the plus strand (G>A on the coding strand, the complement: FAT1 is on the minus strand). VCF-style: chr4-186604478-C-T. GRCh37 (hg19) VCF-style: chr4-187525632-C-T.
Other names: short protein forms G3483R.
Identifiers: ClinVar variation 2712813 (VCV002712813.3), dbSNP rs185069736, ClinGen allele CA3165358.